The following is an entry in ClinVar:

NM_024339.5(THOC6):c.363-6C>T

Gene: THOC6 (THO complex subunit 6; plus strand). Cytogenetic location: 16p13.3.
Variant type: single nucleotide variant.
Coding change: c.363-6C>T on transcript NM_024339.5 (MANE Select); 6 bases into the intron before coding-DNA position 363, C replaced by T.
Molecular consequence: intron variant.
Genome position (GRCh38, 1-based): chr16:3,026,359, C>T. VCF-style: chr16-3026359-C-T. GRCh37 (hg19) VCF-style: chr16-3076360-C-T.
Other names: c.363-6C>T (NM_001142350.3, NM_001347704.2); c.291-6C>T (NM_001347703.2).
Identifiers: ClinVar variation 2228189 (VCV002228189.2), dbSNP rs761115205, ClinGen allele CA7854966.
Genomic context (GRCh38, chr16:3,026,359, plus strand): 5'-CCACGTGGATAGAGGGTGCATCAGGGTGAAGCCACTTCCTCACTGACCTTGCCTTTCCTT[C>T]CCCAGGACCAGCCTGGAAGTGCCTGAGATCAACGCTTTGCTGCTGGTCCCCAAGGTCTGA-3'

ClinVar aggregate classification (germline): Uncertain significance (1 of 4 stars; one submission).

Conditions:
Inborn genetic diseases. Identifiers: MedGen C0950123, MeSH D030342.

Allele frequency attached by ClinVar (database versions not stated): gnomAD exomes 0.00002; gnomAD 0.00003; ExAC 0.00005.
gnomAD v4.1: 33 of 1,613,962 alleles (0.002%); highest among the groups gnomAD compares: Admixed American, 0.037%; no homozygotes.

Submission:

Ambry Genetics
Classification: Uncertain significance for Inborn genetic diseases. Last evaluated: 2020-12-02. Review status: criteria provided, single submitter. Criteria: Ambry Variant Classification Scheme 2023. Collection method: clinical testing. Allele origin: germline.
Comment: The c.363-6C>T intronic alteration consists of a C to T substitution 6 nucleotides before exon 6 (coding exon 6) in the THOC6 gene. Based on insufficient or conflicting evidence, the clinical significance of this alteration remains unclear.